The following is an entry in ClinVar:

NM_001166108.2(PALLD):c.728A>G (p.Tyr243Cys)

Gene: PALLD (palladin, cytoskeletal associated protein; plus strand). Cytogenetic location: 4q32.3.
Variant type: single nucleotide variant.
Coding change: c.728A>G on transcript NM_001166108.2 (MANE Select); coding-DNA position 728, A replaced by G.
Protein change: p.Tyr243Cys; replaces tyrosine 243 with cysteine.
Molecular consequence: missense variant.
Genome position (GRCh38, 1-based): chr4:168,512,232, A>G. VCF-style: chr4-168512232-A-G. GRCh37 (hg19) VCF-style: chr4-169433383-A-G.
Other names: c.728A>G, p.Tyr243Cys (NM_016081.4); short protein forms Y243C.
Identifiers: ClinVar variation 1758091 (VCV001758091.2), dbSNP rs1269685771, ClinGen allele CA358728107.
Genomic context (GRCh38, chr4:168,512,232, plus strand): 5'-CTATGGAAGACCAAGGGGAGATGGAAAGAGAGGTCAAGTCCCCTGGGGCCAGGCATTGCT[A>G]CCAGGACAACCAGGACTTGGCAGTGCCACACAACCGCAAGTCTCACCCACAGCCCCACAG-3'
Protein context (NP_001159580.1, residues 233-253): EVKSPGARHC[Tyr243Cys]QDNQDLAVPH

ClinVar aggregate classification (germline): Uncertain significance (1 of 4 stars; one submission).

Allele frequency attached by ClinVar (database versions not stated): gnomAD exomes below 0.00001; gnomAD 0.00001.
gnomAD v4.1: 2 of 1,613,800 alleles (0.00012%); highest among the groups gnomAD compares: African/African-American, 0.0013%; no homozygotes.

Submission:

Ambry Genetics
Classification: Uncertain significance. Last evaluated: 2021-12-07. Review status: criteria provided, single submitter. Criteria: Ambry Variant Classification Scheme 2023. Collection method: clinical testing. Allele origin: germline.
Comment: The p.Y243C variant (also known as c.728A>G), located in coding exon 1 of the PALLD gene, results from an A to G substitution at nucleotide position 728. The tyrosine at codon 243 is replaced by cysteine, an amino acid with highly dissimilar properties. This amino acid position is conserved. In addition, this alteration is predicted to be tolerated by in silico analysis. Since supporting evidence is limited at this time, the clinical significance of this alteration remains unclear.